The following is an entry in ClinVar:

NM_014030.4(GIT1):c.150C>T (p.His50=)

Gene: GIT1 (GIT ArfGAP 1; minus strand). Cytogenetic location: 17q11.2.
Variant type: single nucleotide variant.
Coding change: c.150C>T on transcript NM_014030.4 (MANE Select); coding-DNA position 150, C replaced by T.
Protein change: p.His50=; no amino-acid change (histidine 50 retained).
Molecular consequence: synonymous variant.
Genome position (GRCh38, 1-based): chr17:29,583,519, G>A on the plus strand (C>T on the coding strand, the complement: GIT1 is on the minus strand). VCF-style: chr17-29583519-G-A. GRCh37 (hg19) VCF-style: chr17-27910537-G-A.
Other names: c.150C>T, p.His50= (NM_001085454.2).
Identifiers: ClinVar variation 3045426 (VCV003045426.2), dbSNP rs147244911, ClinGen allele CA8476506.

ClinVar aggregate classification (germline): Likely benign (0 of 4 stars; one submission).

Conditions:
GIT1-related disorder. Also called: GIT1-related condition.

Allele frequency attached by ClinVar (database versions not stated): TOPMed 0.00045; gnomAD 0.00051; ExAC 0.00056; gnomAD exomes 0.00061; 1000 Genomes Project 30x 0.00078; 1000 Genomes Project 0.00080; ESP Exome Variant Server 0.00100.
gnomAD v4.1: 959 of 1,612,588 alleles (0.059%); highest among the groups gnomAD compares: Middle Eastern, 0.23%; 1 homozygote.

Submission:

PreventionGenetics, part of Exact Sciences
Classification: Likely benign for GIT1-related condition. Last evaluated: 2019-11-05. Review status: no assertion criteria provided. Collection method: clinical testing. Allele origin: germline.
Comment: This variant is classified as likely benign based on ACMG/AMP sequence variant interpretation guidelines (Richards et al. 2015 PMID: 25741868, with internal and published modifications).